The following is an entry in ClinVar:

ClinVar aggregate classification (germline): Uncertain significance (1 of 4 stars; one submission).

Conditions:
Early-infantile DEE. Also called: Ohtahara syndrome; Early infantile epileptic encephalopathy with suppression bursts; Early infantile epileptic encephalopathy. Identifiers: Orphanet 1934, MedGen C0393706, MONDO:0800491.

Submission:

Labcorp Genetics (formerly Invitae), Labcorp
Classification: Uncertain significance for Early-infantile DEE. Last evaluated: 2023-11-01. Review status: criteria provided, single submitter. Criteria: Invitae Variant Classification Sherloc (09022015). Collection method: clinical testing. Allele origin: germline.
Comment: This sequence change creates a premature translational stop signal (p.Lys241*) in the HCN1 gene. It is expected to result in an absent or disrupted protein product. However, the current clinical and genetic evidence is not sufficient to establish whether loss-of-function variants in HCN1 cause disease. This variant is not present in population databases (gnomAD no frequency). This variant has not been reported in the literature in individuals affected with HCN1-related conditions. ClinVar contains an entry for this variant (Variation ID: 2022517). In summary, the available evidence is currently insufficient to determine the role of this variant in disease. Therefore, it has been classified as a Variant of Uncertain Significance.

NM_021072.4(HCN1):c.721A>T (p.Lys241Ter)

Gene: HCN1 (hyperpolarization activated cyclic nucleotide gated potassium channel 1; minus strand). Cytogenetic location: 5p12.
Variant type: single nucleotide variant.
Coding change: c.721A>T on transcript NM_021072.4 (MANE Select); coding-DNA position 721, A replaced by T.
Protein change: p.Lys241Ter; replaces lysine 241 with a stop codon.
Molecular consequence: nonsense.
Genome position (GRCh38, 1-based): chr5:45,645,313, T>A on the plus strand (A>T on the coding strand, the complement: HCN1 is on the minus strand). VCF-style: chr5-45645313-T-A. GRCh37 (hg19) VCF-style: chr5-45645415-T-A.
Other names: short protein forms K241*.
Identifiers: ClinVar variation 2022517 (VCV002022517.4), dbSNP rs2478543327, ClinGen allele CA359707263.